The following is an entry in ClinVar:

NM_004370.6(COL12A1):c.7803C>A (p.Asp2601Glu)

Gene: COL12A1 (collagen type XII alpha 1 chain; minus strand). Cytogenetic location: 6q13.
Variant type: single nucleotide variant.
Coding change: c.7803C>A on transcript NM_004370.6 (MANE Select); coding-DNA position 7803, C replaced by A.
Protein change: p.Asp2601Glu; replaces aspartic acid 2601 with glutamic acid.
Molecular consequence: missense variant.
Genome position (GRCh38, 1-based): chr6:75,113,639, G>T on the plus strand (C>A on the coding strand, the complement: COL12A1 is on the minus strand). VCF-style: chr6-75113639-G-T. GRCh37 (hg19) VCF-style: chr6-75823355-G-T.
Other names: c.7803C>A, p.Asp2601Glu (NM_001424113.1); c.7782C>A, p.Asp2594Glu (NM_001424114.1); c.7530C>A, p.Asp2510Glu (NM_001424115.1); c.4311C>A, p.Asp1437Glu (NM_001424116.1, NM_080645.3); short protein forms D1437E, D2510E, D2594E, D2601E.
Identifiers: ClinVar variation 3761699 (VCV003761699.2).

ClinVar aggregate classification (germline): Uncertain significance (1 of 4 stars; one submission).

Conditions:
Ullrich congenital muscular dystrophy 2 (UCMD2). Identifiers: Orphanet 75840, MedGen C4225314, MONDO:0014654, OMIM 616470.
Bethlem myopathy 2 (BTHLM2). Identifiers: Orphanet 536516, Orphanet 610, MedGen C4225313, MONDO:0034022, OMIM 616471.

Submission:

Labcorp Genetics (formerly Invitae), Labcorp
Classification: Uncertain significance for Bethlem myopathy 2; Ullrich congenital muscular dystrophy 2. Last evaluated: 2024-11-18. Review status: criteria provided, single submitter. Criteria: Invitae Variant Classification Sherloc (09022015). Collection method: clinical testing. Allele origin: germline.
Comment: This sequence change replaces aspartic acid, which is acidic and polar, with glutamic acid, which is acidic and polar, at codon 2601 of the COL12A1 protein (p.Asp2601Glu). This variant is not present in population databases (gnomAD no frequency). This variant has not been reported in the literature in individuals affected with COL12A1-related conditions. Invitae Evidence Modeling of protein sequence and biophysical properties (such as structural, functional, and spatial information, amino acid conservation, physicochemical variation, residue mobility, and thermodynamic stability) indicates that this missense variant is not expected to disrupt COL12A1 protein function with a negative predictive value of 80%. In summary, the available evidence is currently insufficient to determine the role of this variant in disease. Therefore, it has been classified as a Variant of Uncertain Significance.